The following is an entry in ClinVar:

NM_000051.4(ATM):c.3044A>G (p.Gln1015Arg)

Gene: ATM (ATM serine/threonine kinase; plus strand). Cytogenetic location: 11q22.3.
Variant type: single nucleotide variant.
Coding change: c.3044A>G on transcript NM_000051.4 (MANE Select); coding-DNA position 3044, A replaced by G.
Protein change: p.Gln1015Arg; replaces glutamine 1015 with arginine.
Molecular consequence: missense variant.
Genome position (GRCh38, 1-based): chr11:108,271,373, A>G. VCF-style: chr11-108271373-A-G. GRCh37 (hg19) VCF-style: chr11-108142100-A-G.
Other names: c.3044A>G, p.Gln1015Arg (NM_001351834.2); short protein forms Q1015R.
Identifiers: ClinVar variation 133612 (VCV000133612.9), dbSNP rs587778070, ClinGen allele CA157092.
Genomic context (GRCh38, chr11:108,271,373, plus strand): 5'-TTCATGTAGTGAAAAACCTAGGTCAAAGCAATATGGACTCTGAGAACACAAGGGATGCTC[A>G]AGGACAGTTTCTTACAGTAATTGGAGCATTTTGGTAGGTACAGTCTATTTTGTGGTCCTA-3'
Protein context (NP_000042.3, residues 1005-1025): NMDSENTRDA[Gln1015Arg]GQFLTVIGAF

ClinVar aggregate classification (germline): Uncertain significance. Review status: criteria provided, single submitter (1 of 4 stars). 2 submissions from 2 submitters: Uncertain significance (1). 1 of the submissions does not count toward it. Last evaluated 2025-12-14.

Conditions:
Ataxia-telangiectasia syndrome (AT). Also called: ATAXIA-TELANGIECTASIA, COMPLEMENTATION GROUP A; ATAXIA-TELANGIECTASIA, FRESNO VARIANT; Ataxia-telangiectasia; LOUIS-BAR SYNDROME; Cerebello-oculocutaneous telangiectasia; Immunodeficiency with ataxia telangiectasia. Identifiers: Orphanet 100, MedGen C0004135, MONDO:0008840, OMIM 208900.

Submissions (2):

Labcorp Genetics (formerly Invitae), Labcorp
Classification: Uncertain significance for Ataxia-telangiectasia syndrome. Last evaluated: 2025-12-14. Review status: criteria provided, single submitter. Criteria: Invitae Variant Classification Sherloc (09022015). Collection method: clinical testing. Allele origin: germline.
Comment: This sequence change replaces glutamine, which is neutral and polar, with arginine, which is basic and polar, at codon 1015 of the ATM protein (p.Gln1015Arg). This variant is not present in population databases (gnomAD no frequency). This variant has not been reported in the literature in individuals affected with ATM-related conditions. ClinVar contains an entry for this variant (Variation ID: 133612). Invitae Evidence Modeling of protein sequence and biophysical properties (such as structural, functional, and spatial information, amino acid conservation, physicochemical variation, residue mobility, and thermodynamic stability) indicates that this missense variant is not expected to disrupt ATM protein function with a negative predictive value of 95%. In summary, the available evidence is currently insufficient to determine the role of this variant in disease. Therefore, it has been classified as a Variant of Uncertain Significance.

ITMI
No classification provided. Condition: AllHighlyPenetrant. Last evaluated: 2013-09-19. Review status: no classification provided. Collection method: reference population. Allele origin: germline. Not counted in ClinVar's aggregate classification.
Comment: Please see associated publication for description of ethnicities

Literature cited by the submitters: PubMed 24728327 (cited by ITMI).